The following is an entry in ClinVar:

ClinVar aggregate classification (germline): Uncertain significance. Review status: criteria provided, multiple submitters, no conflicts (2 of 4 stars). 2 submissions from 2 submitters: Uncertain significance (2). Last evaluated 2026-03-28.

Conditions:
Cardiovascular phenotype. Identifiers: MedGen CN230736.
Naxos disease (NXD). Also called: CARDIOMYOPATHY, ARRHYTHMOGENIC RIGHT VENTRICULAR, WITH SKIN, HAIR, AND NAIL ABNORMALITIES; KERATOSIS PALMOPLANTARIS WITH ARRHYTHMOGENIC CARDIOMYOPATHY; MAL DE NAXOS; PALMOPLANTAR KERATODERMA WITH ARRHYTHMOGENIC RIGHT VENTRICULAR CARDIOMYOPATHY AND WOOLLY HAIR; WOOLLY HAIR, PALMOPLANTAR KERATODERMA, AND CARDIAC ABNORMALITIES. Identifiers: Orphanet 34217, MedGen C1832600, MONDO:0011017, OMIM 601214.
Arrhythmogenic right ventricular dysplasia 12. Also called: ARRHYTHMOGENIC RIGHT VENTRICULAR DYSPLASIA, FAMILIAL, 12. Identifiers: MedGen C1969081, MONDO:0012684, OMIM 611528.

Allele frequency attached by ClinVar (database versions not stated): gnomAD exomes below 0.00001.

Submissions (2):

Ambry Genetics
Classification: Uncertain significance for Cardiovascular phenotype. Last evaluated: 2026-03-28. Review status: criteria provided, single submitter. Criteria: Ambry Variant Classification Scheme 2023. Collection method: clinical testing. Allele origin: germline.
Comment: The p.L266V variant (also known as c.796C>G), located in coding exon 4 of the JUP gene, results from a C to G substitution at nucleotide position 796. The leucine at codon 266 is replaced by valine, an amino acid with highly similar properties. This amino acid position is conserved. In addition, the in silico prediction for this alteration is inconclusive. Based on the available evidence, the clinical significance of this variant remains unclear.

Labcorp Genetics (formerly Invitae), Labcorp
Classification: Uncertain significance for Arrhythmogenic right ventricular dysplasia 12; Naxos disease. Last evaluated: 2021-09-24. Review status: criteria provided, single submitter. Criteria: Invitae Variant Classification Sherloc (09022015). Collection method: clinical testing. Allele origin: germline.
Comment: This sequence change replaces leucine with valine at codon 266 of the JUP protein (p.Leu266Val). The leucine residue is moderately conserved and there is a small physicochemical difference between leucine and valine. This variant is not present in population databases (ExAC no frequency). This variant has not been reported in the literature in individuals with JUP-related conditions. Algorithms developed to predict the effect of missense changes on protein structure and function (SIFT, PolyPhen-2, Align-GVGD) all suggest that this variant is likely to be tolerated, but these predictions have not been confirmed by published functional studies and their clinical significance is uncertain. In summary, the available evidence is currently insufficient to determine the role of this variant in disease. Therefore, it has been classified as a Variant of Uncertain Significance.

NM_002230.4(JUP):c.796C>G (p.Leu266Val)

Gene: JUP (junction plakoglobin; minus strand). Cytogenetic location: 17q21.2.
Variant type: single nucleotide variant.
Coding change: c.796C>G on transcript NM_002230.4 (MANE Select); coding-DNA position 796, C replaced by G.
Protein change: p.Leu266Val; replaces leucine 266 with valine.
Molecular consequence: missense variant.
Genome position (GRCh38, 1-based): chr17:41,767,492, G>C on the plus strand (C>G on the coding strand, the complement: JUP is on the minus strand). VCF-style: chr17-41767492-G-C. GRCh37 (hg19) VCF-style: chr17-39923744-G-C.
Other names: c.796C>G, p.Leu266Val (NM_001352773.2, NM_001352774.2, NM_001352775.2 and 3 more transcripts); c.796C>G (NM_002230.2); short protein forms L266V.
Identifiers: ClinVar variation 1498861 (VCV001498861.6), dbSNP rs2143651347, ClinGen allele CA399501200.